The following is an entry in ClinVar:

NM_004006.3(DMD):c.2933_2934del (p.Arg978fs)

Gene: DMD (dystrophin; minus strand). Cytogenetic location: Xp21.1.
Variant type: Microsatellite.
Coding change: c.2933_2934del on transcript NM_004006.3 (MANE Select); coding-DNA positions 2933 to 2934, 2 bases deleted (GA; older notation c.2933_2934delGA).
Protein change: p.Arg978fs; shifts the reading frame from arginine 978.
Molecular consequence: frameshift variant.
Genome position (GRCh38, 1-based): chrX:32,472,179-32,472,180, TC deleted on the plus strand (GA on the coding strand, the reverse complement: DMD is on the minus strand); deleting any 2 consecutive bases within chrX:32,472,179-32,472,183 gives the same sequence; the c. name uses the placement nearest the transcript's 3' end. VCF-style (leftmost placement, unchanged base first): chrX-32472178-GTC-G. GRCh37 (hg19) VCF-style: chrX-32490295-GTC-G.
Other names: c.2909_2910del, p.Arg970fs (NM_000109.4); c.2921_2922del, p.Arg974fs (NM_004009.3); c.2564_2565del, p.Arg855fs (NM_004010.3); short protein forms R970fs, R974fs, R978fs, R855fs.
Identifiers: ClinVar variation 195680 (VCV000195680.7), dbSNP rs794727359, ClinGen allele CA275113.

ClinVar aggregate classification (germline): Pathogenic/Likely pathogenic. Review status: criteria provided, multiple submitters, no conflicts (2 of 4 stars). 3 submissions from 3 submitters: Pathogenic (2); Likely pathogenic (1). Last evaluated 2024-09-24.

Conditions:
Duchenne muscular dystrophy (DMD). Also called: MUSCULAR DYSTROPHY, PSEUDOHYPERTROPHIC PROGRESSIVE, DUCHENNE TYPE; Duchenne Muscular Dystrophy (DMD). Identifiers: Orphanet 98896, MedGen C0013264, MONDO:0010679, OMIM 310200.

Submissions (3):

Labcorp Genetics (formerly Invitae), Labcorp
Classification: Pathogenic for Duchenne muscular dystrophy. Last evaluated: 2024-09-24. Review status: criteria provided, single submitter. Criteria: Invitae Variant Classification Sherloc (09022015). Collection method: clinical testing. Allele origin: germline.
Comment: This sequence change creates a premature translational stop signal (p.Arg978Thrfs*35) in the DMD gene. It is expected to result in an absent or disrupted protein product. Loss-of-function variants in DMD are known to be pathogenic (PMID: 16770791, 25007885). This variant is not present in population databases (gnomAD no frequency). This premature translational stop signal has been observed in individual(s) with Duchenne muscular dystrophy (PMID: 15643612). For these reasons, this variant has been classified as Pathogenic.

Eurofins Ntd Llc (ga)
Classification: Pathogenic. Last evaluated: 2015-05-07. Review status: criteria provided, single submitter. Criteria: EGL Classification Definitions 2015. Collection method: clinical testing. Allele origin: germline. Observed: 1 variant allele, 1 hemizygote.

Neuberg Centre For Genomic Medicine, NCGM
Classification: Likely pathogenic for Duchenne muscular dystrophy. Review status: criteria provided, single submitter. Criteria: ACMG Guidelines, 2015. Collection method: clinical testing. Allele origin: germline. Inheritance: X-linked inheritance. Affected: yes.
Comment: The frame shift c.2933_2934del (p.Arg978ThrfsTer35) variant in DMD gene has been reported in ClinVar as Pathogenic. It has not been reported in affected individuals. The variant is novel (not in any individuals) in gnomAD Exomes and in 1000 Genomes. This variant causes a frameshift starting with codon Arginine 978, changes this amino acid to Threonine residue, and creates a premature Stop codon at position 35 of the new reading frame; denoted p.Arg978ThrfsTer35. This variant is predicted to cause loss of normal protein function through protein truncation. Loss of function variants have been previously reported to be disease causing. For these reasons, this variant has been classified as Likely Pathogenic.

Literature cited by the submitters: PubMed 16770791 (cited by Labcorp Genetics (formerly Invitae), Labcorp); PubMed 25007885 (cited by Labcorp Genetics (formerly Invitae), Labcorp); PubMed 15643612 (cited by Labcorp Genetics (formerly Invitae), Labcorp).